The following is an entry in ClinVar:

ClinVar aggregate classification (germline): Uncertain significance (1 of 4 stars; one submission).

Submission:

Labcorp Genetics (formerly Invitae), Labcorp
Classification: Uncertain significance. Last evaluated: 2024-03-07. Review status: criteria provided, single submitter. Criteria: Invitae Variant Classification Sherloc (09022015). Collection method: clinical testing. Allele origin: germline.
Comment: This variant, c.558_559delinsCA, is a complex sequence change that results in the deletion of 2 and insertion of 2 amino acid(s) in the COL18A1 protein (p.Met186_Pro187delinsIleThr). Information on the frequency of this variant in the gnomAD database is not available, as this variant may be reported differently in the database. This variant has not been reported in the literature in individuals affected with COL18A1-related conditions. Experimental studies and prediction algorithms are not available or were not evaluated, and the functional significance of this variant is currently unknown. In summary, the available evidence is currently insufficient to determine the role of this variant in disease. Therefore, it has been classified as a Variant of Uncertain Significance.

NM_001379500.1(COL18A1):c.558_559delinsCA (p.Met186_Pro187delinsIleThr)

Gene: COL18A1 (collagen type XVIII alpha 1 chain; plus strand). Cytogenetic location: 21q22.3.
Variant type: Indel.
Coding change: c.558_559delinsCA on transcript NM_001379500.1 (MANE Select); coding-DNA positions 558 to 559, GC replaced by CA.
Protein change: p.Met186_Pro187delinsIleThr.
Molecular consequence: missense variant.
Genome position (GRCh38, 1-based): chr21:45,468,693-45,468,694, GC replaced by CA. VCF-style: chr21-45468693-GC-CA. GRCh37 (hg19) VCF-style: chr21-46888607-GC-CA.
Other names: c.1098_1099delinsCA, p.Met366_Pro367delinsIleThr (NM_030582.4); c.1803_1804delinsCA, p.Met601_Pro602delinsIleThr (NM_130444.3).
Identifiers: ClinVar variation 3644983 (VCV003644983.2).